The following is an entry in ClinVar:

NM_003047.5(SLC9A1):c.709G>A (p.Val237Met)

Gene: SLC9A1 (solute carrier family 9 member A1; minus strand). Cytogenetic location: 1p36.11.
Variant type: single nucleotide variant.
Coding change: c.709G>A on transcript NM_003047.5 (MANE Select); coding-DNA position 709, G replaced by A.
Protein change: p.Val237Met; replaces valine 237 with methionine.
Molecular consequence: missense variant.
Genome position (GRCh38, 1-based): chr1:27,113,930, C>T on the plus strand (G>A on the coding strand, the complement: SLC9A1 is on the minus strand). VCF-style: chr1-27113930-C-T. GRCh37 (hg19) VCF-style: chr1-27440421-C-T.
Other names: short protein forms V237M.
Identifiers: ClinVar variation 3897247 (VCV003897247.1).

ClinVar aggregate classification (germline): Uncertain significance (1 of 4 stars; one submission).

Submission:

GeneDx
Classification: Uncertain significance. Last evaluated: 2024-11-01. Review status: criteria provided, single submitter. Criteria: GeneDx Variant Classification Process June 2021. Collection method: clinical testing. Allele origin: germline. Affected: yes.
Comment: Not observed at significant frequency in large population cohorts (gnomAD); In silico analysis supports that this missense variant has a deleterious effect on protein structure/function; This variant is associated with the following publications: (PMID: 35982159, 33057194)